The following is an entry in ClinVar:

NM_001367624.2(ZNF469):c.10805C>T (p.Pro3602Leu)

Gene: ZNF469 (zinc finger protein 469; plus strand). Cytogenetic location: 16q24.2.
Variant type: single nucleotide variant.
Coding change: c.10805C>T on transcript NM_001367624.2 (MANE Select); coding-DNA position 10805, C replaced by T.
Protein change: p.Pro3602Leu; replaces proline 3602 with leucine.
Molecular consequence: missense variant.
Genome position (GRCh38, 1-based): chr16:88,438,275, C>T. VCF-style: chr16-88438275-C-T. GRCh37 (hg19) VCF-style: chr16-88504683-C-T.
Other names: NM_001127464.1:c.10721C>T; short protein forms P3602L.
Identifiers: ClinVar variation 1684149 (VCV001684149.22), dbSNP rs764764326, ClinGen allele CA286387281.
Genomic context (GRCh38, chr16:88,438,275, plus strand): 5'-CTTCCCCAGGCAGCCCCGGGCCTCTTCTCCAGCAAGCTCTCCCTCTGGGGGCATCTCTGC[C>T]GCGGCCGGGAGCCAGAGGCCAAGATGCGGAGGGAAAGAGGGCTCCTCTCGTGTTCTCAGG-3'
Protein context (NP_001354553.1, residues 3592-3612): QQALPLGASL[Pro3602Leu]RPGARGQDAE

ClinVar aggregate classification (germline): Uncertain significance. Review status: criteria provided, multiple submitters, no conflicts (2 of 4 stars). 6 submissions from 6 submitters: Uncertain significance (6). Last evaluated 2025-01-01.

Conditions:
Brittle cornea syndrome 1 (BCS1). Also called: Corneal fragility keratoglobus, blue sclerae AND joint hypermobility; DYSGENESIS MESODERMALIS CORNEAE ET SCLERAE; CORNEAL FRAGILITY, KERATOGLOBUS, BLUE SCLERAE, JOINT HYPEREXTENSIBILITY; EDS6B; FRAGILITAS OCULI WITH JOINT HYPEREXTENSIBILITY. Identifiers: Orphanet 90354, MedGen C0268344, MONDO:0024543, OMIM 229200.
Cardiovascular phenotype. Identifiers: MedGen CN230736.

Allele frequency attached by ClinVar (database versions not stated): gnomAD exomes 0.00001; gnomAD 0.00002 and 0.00003; TOPMed 0.00002.
gnomAD v4.1: 36 of 1,548,104 alleles (0.0023%); highest among the groups gnomAD compares: Admixed American, 0.0039%; no homozygotes.

Submissions (6):

CeGaT Center for Human Genetics Tuebingen
Classification: Uncertain significance. Last evaluated: 2025-01-01. Review status: criteria provided, single submitter. Criteria: CeGaT Center For Human Genetics Tuebingen Variant Classification Criteria Version 2. Collection method: clinical testing. Allele origin: germline. Affected: yes. Observed: 1 variant allele.
Comment: ZNF469: PM2

Ambry Genetics
Classification: Uncertain significance for Cardiovascular phenotype. Last evaluated: 2024-08-27. Review status: criteria provided, single submitter. Criteria: Ambry Variant Classification Scheme 2023. Collection method: clinical testing. Allele origin: germline.

Blueprint Genetics
Classification: Uncertain significance. Last evaluated: 2024-02-23. Review status: criteria provided, single submitter. Criteria: ACMG Guidelines, 2015. Collection method: clinical testing. Allele origin: germline.

Fulgent Genetics
Classification: Uncertain significance for Brittle cornea syndrome 1. Last evaluated: 2022-05-17. Review status: criteria provided, single submitter. Criteria: ACMG Guidelines, 2015. Collection method: clinical testing. Allele origin: unknown.

GeneDx
Classification: Uncertain significance. Last evaluated: 2022-05-02. Review status: criteria provided, single submitter. Criteria: GeneDx Variant Classification Process June 2021. Collection method: clinical testing. Allele origin: germline. Affected: yes.
Comment: Not observed at a significant frequency in large population cohorts (gnomAD); In silico analysis supports that this missense variant does not alter protein structure/function; Has not been previously published as pathogenic or benign to our knowledge

Labcorp Genetics (formerly Invitae), Labcorp
Classification: Uncertain significance. Last evaluated: 2022-03-12. Review status: criteria provided, single submitter. Criteria: Invitae Variant Classification Sherloc (09022015). Collection method: clinical testing. Allele origin: germline.
Comment: This sequence change replaces proline, which is neutral and non-polar, with leucine, which is neutral and non-polar, at codon 3574 of the ZNF469 protein (p.Pro3574Leu). This variant is present in population databases (rs764764326, gnomAD 0.008%). This variant has not been reported in the literature in individuals affected with ZNF469-related conditions. Algorithms developed to predict the effect of missense changes on protein structure and function are either unavailable or do not agree on the potential impact of this missense change (SIFT: "Deleterious"; PolyPhen-2: "Probably Damaging"; Align-GVGD: "Class C0"). In summary, the available evidence is currently insufficient to determine the role of this variant in disease. Therefore, it has been classified as a Variant of Uncertain Significance.